The following is an entry in ClinVar:

ClinVar aggregate classification (germline): Uncertain significance (1 of 4 stars; one submission).

Conditions:
Inborn genetic diseases. Identifiers: MedGen C0950123, MeSH D030342.

Submission:

Ambry Genetics
Classification: Uncertain significance for Inborn genetic diseases. Last evaluated: 2025-05-15. Review status: criteria provided, single submitter. Criteria: Ambry Variant Classification Scheme 2023. Collection method: clinical testing. Allele origin: germline.
Comment: The p.R139S variant (also known as c.415C>A), located in coding exon 1 of the SH2B3 gene, results from a C to A substitution at nucleotide position 415. The arginine at codon 139 is replaced by serine, an amino acid with dissimilar properties. This amino acid position is conserved. In addition, this alteration is predicted to be tolerated by in silico analysis. Based on the available evidence, the clinical significance of this variant remains unclear.

NM_005475.3(SH2B3):c.415C>A (p.Arg139Ser)

Gene: SH2B3 (SH2B adaptor protein 3; plus strand). Cytogenetic location: 12q24.12.
Variant type: single nucleotide variant.
Coding change: c.415C>A on transcript NM_005475.3 (MANE Select); coding-DNA position 415, C replaced by A.
Protein change: p.Arg139Ser; replaces arginine 139 with serine.
Molecular consequence: missense variant.
Genome position (GRCh38, 1-based): chr12:111,418,560, C>A. VCF-style: chr12-111418560-C-A. GRCh37 (hg19) VCF-style: chr12-111856364-C-A.
Other names: short protein forms R139S.
Identifiers: ClinVar variation 3953495 (VCV003953495.1).